The following is an entry in ClinVar:

NM_138927.4(SON):c.3370A>G (p.Met1124Val)

Gene: SON (SON DNA and RNA binding protein; plus strand). Cytogenetic location: 21q22.11.
Variant type: single nucleotide variant.
Coding change: c.3370A>G on transcript NM_138927.4 (MANE Select); coding-DNA position 3370, A replaced by G.
Protein change: p.Met1124Val; replaces methionine 1124 with valine.
Molecular consequence: missense variant. On other transcripts: non-coding transcript variant (1), intron variant (1).
Genome position (GRCh38, 1-based): chr21:33,552,601, A>G. VCF-style: chr21-33552601-A-G. GRCh37 (hg19) VCF-style: chr21-34924907-A-G.
Other names: c.3370A>G, p.Met1124Val (NM_001291411.2, NM_032195.3); c.245-4555A>G (NM_001291412.3); short protein forms M1124V.
Identifiers: ClinVar variation 1446423 (VCV001446423.7), dbSNP rs375095792, ClinGen allele CA10009276.

ClinVar aggregate classification (germline): Uncertain significance (1 of 4 stars; one submission).

Allele frequency attached by ClinVar (database versions not stated): gnomAD exomes 0.00003; ExAC 0.00004; TOPMed 0.00005; gnomAD 0.00006 and 0.00007; ESP Exome Variant Server 0.00008.

Submission:

Labcorp Genetics (formerly Invitae), Labcorp
Classification: Uncertain significance. Last evaluated: 2024-08-29. Review status: criteria provided, single submitter. Criteria: Invitae Variant Classification Sherloc (09022015). Collection method: clinical testing. Allele origin: germline.
Comment: This sequence change replaces methionine, which is neutral and non-polar, with valine, which is neutral and non-polar, at codon 1124 of the SON protein (p.Met1124Val). This variant is present in population databases (rs375095792, gnomAD 0.006%). This variant has not been reported in the literature in individuals affected with SON-related conditions. ClinVar contains an entry for this variant (Variation ID: 1446423). An algorithm developed to predict the effect of missense changes on protein structure and function (PolyPhen-2) suggests that this variant is likely to be disruptive. In summary, the available evidence is currently insufficient to determine the role of this variant in disease. Therefore, it has been classified as a Variant of Uncertain Significance.